The following is an entry in ClinVar:

ClinVar aggregate classification (germline): Likely pathogenic (1 of 4 stars; one submission).

Conditions:
Salla disease (SD). Also called: Less Severe FSASD (Salla Disease); Sialuria, Finnish type; N-acetylneuraminic acid (NANA) storage disease (NSD); Infantile sialic acid storage disorder (ISSD). Identifiers: Orphanet 309334, Orphanet 834, MedGen C1096903, MONDO:0011449, OMIM 604369.

Submission:

Natera, Inc.
Classification: Likely pathogenic for Salla disease. Last evaluated: 2024-09-16. Review status: criteria provided, single submitter. Criteria: Natera Variant Classification Schema (03/2026). Collection method: clinical testing. Allele origin: germline.
Comment: The c.367del variant in SLC17A5 is a frameshift variant predicted to shift the reading frame beginning at codon 123 and leads to a stop codon 11 codons downstream. This variant is expected to result in nonsense mediated decay, truncation, or a dysfunctional protein product. This variant is rare in the general population with a frequency below the threshold expected for the associated phenotype(s). Given the available evidence, this variant is classified as Likely Pathogenic.

NM_012434.5(SLC17A5):c.367del (p.Gln123fs)

Gene: SLC17A5 (solute carrier family 17 member 5; minus strand). Cytogenetic location: 6q13.
Variant type: Deletion.
Coding change: c.367del on transcript NM_012434.5 (MANE Select); coding-DNA position 367, one base deleted (C; older notation c.367delC).
Protein change: p.Gln123fs; shifts the reading frame from glutamine 123.
Molecular consequence: frameshift variant.
Genome position (GRCh38, 1-based): chr6:73,641,849, G deleted on the plus strand (C on the coding strand, the reverse complement: SLC17A5 is on the minus strand). VCF-style (leftmost placement, unchanged base first): chr6-73641848-TG-T. GRCh37 (hg19) VCF-style: chr6-74351571-TG-T.
Other names: c.136del, p.Gln46fs (NM_001382629.1, NM_001382636.1); c.367del, p.Gln123fs (NM_001382630.1, NM_001382632.1, NM_001382633.1 and 2 more transcripts); c.388del, p.Gln130fs (NM_001382631.1); short protein forms Q123fs, Q130fs, Q46fs.
Identifiers: ClinVar variation 4815572 (VCV004815572.1).
Genomic context (GRCh38, chr6:73,641,848, plus strand): 5'-ATCCCAAATCCTAGCAGCATTTTCCCCCCTATTTTGCTGGCAACATATCCTCCAGGAATC[TG>T]TGTGATGATGTAGCCATAAAAAAAGGAACCGAGAATCCATCCTTGAGTTTCTGCATCCCA-3'